The following is an entry in ClinVar:

ClinVar aggregate classification (germline): Uncertain significance. Review status: criteria provided, multiple submitters, no conflicts (2 of 4 stars). 2 submissions from 2 submitters: Uncertain significance (2). Last evaluated 2026-09-03.

Conditions:
Inborn genetic diseases. Identifiers: MedGen C0950123, MeSH D030342.

gnomAD v4.1: 6 of 1,211,528 alleles (0.0005%); highest among the groups gnomAD compares: Non-Finnish European, 0.00067%; no homozygotes.

Submissions (2):

GeneDx
Classification: Uncertain significance. Last evaluated: 2026-09-03. Review status: criteria provided, single submitter. Criteria: GeneDx Variant Classification Process June 2021. Collection method: clinical testing. Allele origin: germline.
Comment: Not observed at significant frequency in large population cohorts (gnomAD); In silico analysis suggests that this missense variant does not alter protein structure/function; Has not been previously published as pathogenic or benign to our knowledge

Ambry Genetics
Classification: Uncertain significance for Inborn genetic diseases. Last evaluated: 2024-10-20. Review status: criteria provided, single submitter. Criteria: Ambry Variant Classification Scheme 2023. Collection method: clinical testing. Allele origin: germline.

NM_001368397.1(FRMPD4):c.1906C>T (p.Pro636Ser)

Gene: FRMPD4 (FERM and PDZ domain containing 4; plus strand). Cytogenetic location: Xp22.2.
Variant type: single nucleotide variant.
Coding change: c.1906C>T on transcript NM_001368397.1 (MANE Select); coding-DNA position 1906, C replaced by T.
Protein change: p.Pro636Ser; replaces proline 636 with serine.
Molecular consequence: missense variant.
Genome position (GRCh38, 1-based): chrX:12,716,365, C>T. VCF-style: chrX-12716365-C-T. GRCh37 (hg19) VCF-style: chrX-12734484-C-T.
Other names: c.2017C>T, p.Pro673Ser (NM_001368395.3, NM_001368398.3); c.1912C>T, p.Pro638Ser (NM_001368396.3); c.1897C>T, p.Pro633Ser (NM_001368399.3); c.1786C>T, p.Pro596Ser (NM_001368400.3); c.1882C>T, p.Pro628Ser (NM_001368401.1, NM_001368402.3); c.1906C>T, p.Pro636Ser (NM_014728.3); short protein forms P596S, P628S, P633S, P636S, P638S, P673S.
Identifiers: ClinVar variation 3373087 (VCV003373087.3).